The following is an entry in ClinVar:

ClinVar aggregate classification (germline): Uncertain significance (1 of 4 stars; one submission).

Submission:

Labcorp Genetics (formerly Invitae), Labcorp
Classification: Uncertain significance. Last evaluated: 2023-06-28. Review status: criteria provided, single submitter. Criteria: Invitae Variant Classification Sherloc (09022015). Collection method: clinical testing. Allele origin: germline.
Comment: This sequence change creates a premature translational stop signal (p.Asn160Ilefs*13) in the NFE2L2 gene. It is expected to result in an absent or disrupted protein product. However, the current clinical and genetic evidence is not sufficient to establish whether loss-of-function variants in NFE2L2 cause disease. This variant is not present in population databases (gnomAD no frequency). This variant has not been reported in the literature in individuals affected with NFE2L2-related conditions. In summary, the available evidence is currently insufficient to determine the role of this variant in disease. Therefore, it has been classified as a Variant of Uncertain Significance.

NM_006164.5(NFE2L2):c.479del (p.Asn160fs)

Gene: NFE2L2 (NFE2 like bZIP transcription factor 2; minus strand). Cytogenetic location: 2q31.2.
Variant type: Deletion.
Coding change: c.479del on transcript NM_006164.5 (MANE Select); coding-DNA position 479, one base deleted (A; older notation c.479delA).
Protein change: p.Asn160fs; shifts the reading frame from asparagine 160.
Molecular consequence: frameshift variant.
Genome position (GRCh38, 1-based): chr2:177,232,507, T deleted on the plus strand (A on the coding strand, the reverse complement: NFE2L2 is on the minus strand); the first of 2 consecutive T bases (chr2:177,232,507-177,232,508); deleting either gives the same sequence. VCF-style (leftmost placement, unchanged base first): chr2-177232506-AT-A. GRCh37 (hg19) VCF-style: chr2-178097234-AT-A.
Other names: c.179del, p.Asn60fs (NM_001313904.1); c.431del, p.Asn144fs (NM_001145412.3, NM_001313900.1, NM_001313901.1); c.410del, p.Asn137fs (NM_001145413.3); c.389del, p.Asn130fs (NM_001313902.2); c.260del, p.Asn87fs (NM_001313903.2); short protein forms N160fs, N60fs, N130fs, N137fs, N144fs, N87fs.
Identifiers: ClinVar variation 2731377 (VCV002731377.3), dbSNP rs2468289312, ClinGen allele CA2697551393.